The following is an entry in ClinVar:

ClinVar aggregate classification (germline): Uncertain significance. Review status: criteria provided, multiple submitters, no conflicts (2 of 4 stars). 2 submissions from 2 submitters: Uncertain significance (2). Last evaluated 2022-05-12.

Conditions:
Donnai-Barrow syndrome. Also called: DBS/FOAR SYNDROME; FACIOOCULOACOUSTICORENAL SYNDROME. Identifiers: Orphanet 2143, MedGen C1857277, MONDO:0009104, OMIM 222448.

Allele frequency attached by ClinVar (database versions not stated): gnomAD 0.00001; gnomAD exomes 0.00002 and 0.00005; TOPMed 0.00002; ExAC 0.00004.
gnomAD v4.1: 34 of 1,614,168 alleles (0.0021%); highest among the groups gnomAD compares: South Asian, 0.024%; 1 homozygote.

Submissions (2):

Fulgent Genetics
Classification: Uncertain significance for Donnai-Barrow syndrome. Last evaluated: 2022-05-12. Review status: criteria provided, single submitter. Criteria: ACMG Guidelines, 2015. Collection method: clinical testing. Allele origin: unknown.

Labcorp Genetics (formerly Invitae), Labcorp
Classification: Uncertain significance. Last evaluated: 2022-01-27. Review status: criteria provided, single submitter. Criteria: Invitae Variant Classification Sherloc (09022015). Collection method: clinical testing. Allele origin: germline.
Comment: This sequence change replaces arginine, which is basic and polar, with histidine, which is basic and polar, at codon 3605 of the LRP2 protein (p.Arg3605His). The frequency data for this variant in the population databases is considered unreliable, as metrics indicate poor data quality at this position in the gnomAD database. This variant has not been reported in the literature in individuals affected with LRP2-related conditions. Algorithms developed to predict the effect of missense changes on protein structure and function are either unavailable or do not agree on the potential impact of this missense change (SIFT: "Deleterious"; PolyPhen-2: "Benign"; Align-GVGD: "Class C25"). In summary, the available evidence is currently insufficient to determine the role of this variant in disease. Therefore, it has been classified as a Variant of Uncertain Significance.

NM_004525.3(LRP2):c.10814G>A (p.Arg3605His)

Gene: LRP2 (LDL receptor related protein 2; minus strand). Cytogenetic location: 2q31.1.
Variant type: single nucleotide variant.
Coding change: c.10814G>A on transcript NM_004525.3 (MANE Select); coding-DNA position 10814, G replaced by A.
Protein change: p.Arg3605His; replaces arginine 3605 with histidine.
Molecular consequence: missense variant.
Genome position (GRCh38, 1-based): chr2:169,174,119, C>T on the plus strand (G>A on the coding strand, the complement: LRP2 is on the minus strand). VCF-style: chr2-169174119-C-T. GRCh37 (hg19) VCF-style: chr2-170030629-C-T.
Other names: short protein forms R3605H.
Identifiers: ClinVar variation 1365425 (VCV001365425.6), dbSNP rs780595186, ClinGen allele CA1953235.